The following continues an entry in ClinVar:

NM_000709.4(BCKDHA):c.1312T>A (p.Tyr438Asn)

Gene: BCKDHA. ClinVar aggregate classification (germline): Pathogenic/Likely pathogenic. Pathogenic (16); Likely pathogenic (2).

Submissions 13 to 21 of 21:

Center for Pediatric Genomic Medicine, Children's Mercy Hospital and Clinics
Classification: Pathogenic. Last evaluated: 2017-07-05. Review status: criteria provided, single submitter. Criteria: ACMG Guidelines, 2015. Collection method: clinical testing. Allele origin: germline.

Women's Health and Genetics/Laboratory Corporation of America, LabCorp
Classification: Pathogenic for Maple syrup urine disease type 1A. Last evaluated: 2017-01-06. Review status: criteria provided, single submitter. Criteria: LabCorp Variant Classification Summary - May 2015. Collection method: clinical testing. Allele origin: germline.
Comment: Variant summary: The BCKDHA c.1312T>A (p.Tyr438Asn) variant involves the alteration of a conserved nucleotide. 5/5 in silico tools predict a damaging outcome for this substitution. This variant was found in 6/119260 control chromosomes at a frequency of 0.0000503, which does not exceed the estimated maximal expected allele frequency of a pathogenic BCKDHA variant (0.0016771). It was reported in several MSUD patients in either homozygosity or in compound heterozygosity with other disease causing variants indicating pathogenicity. Moreover, the c.1312T>A is considered to be a founder mutation in certain Mennonite populations (GeneReviews). In addition, multiple clinical diagnostic laboratories/reputable databases classified this variant as pathogenic. Taken together, this variant is classified as pathogenic.

Genetic Services Laboratory, University of Chicago
Classification: Pathogenic for Maple syrup urine disease, type Ia. Last evaluated: 2015-10-05. Review status: criteria provided, single submitter. Criteria: ACMG Guidelines, 2015. Collection method: clinical testing. Allele origin: germline. Affected: yes.

Eurofins Ntd Llc (ga)
Classification: Pathogenic. Last evaluated: 2012-08-13. Review status: criteria provided, single submitter. Criteria: EGL Classification Definitions. Collection method: clinical testing. Allele origin: germline. Observed: 5 variant alleles, 2 heterozygotes, 3 homozygotes.

Neuberg Centre For Genomic Medicine, NCGM
Classification: Pathogenic for Maple syrup urine disease type 1A. Review status: criteria provided, single submitter. Criteria: ACMG Guidelines, 2015. Collection method: clinical testing. Allele origin: germline. Inheritance: Autosomal recessive inheritance. Affected: yes.
Comment: The missense variant c.1312T>A (p.Tyr438Asn) in BCKDHA gene has been observed in individual(s) with maple syrup urine disease (Latisha D Love-Gregory et.al.,2002). Experimental studies have shown that this missense change affects BCKDHA function (Stojiljkovic M et.al 2016). This variant has been reported to the ClinVar database as Pathogenic/Likely_pathogenic. The p.Tyr438Asn variant is reported with allele frequency 0.007% in gnomAD exomes and novel in 1000 Genomes. The amino acid Tyr at position 438 is changed to a Asn changing protein sequence and it might alter its composition and physico-chemical properties. For these reasons, this variant has been classified as Pathogenic .

UNC Molecular Genetics  Laboratory, University of North Carolina at Chapel Hill
Classification: Pathogenic for Maple syrup urine disease. Review status: criteria provided, single submitter. Criteria: ACMG Guidelines, 2015. Collection method: research. Allele origin: germline. Affected: yes. Observed: 1 variant allele. Study: NSIGHT-NC NEXUS.
Comment: The BCKDHA c.1312T>A (p.Y438N) variant (also called Y393N) is a pathogenic founder variant associated with maple syrup urine disease (MSUD) in the Old Order Mennonite population. The p.Y438N variant has been associated with classical MSUD in a homozygous state, and in non-Mennonite individuals in a compound heterozygous state. This variant has been shown to destabilize the E1 catalytic subunit of the branched-chain alpha-keto acid dehydrogenase complex and was associated with very low enzyme activity (PMID: 1885764; 2241958; 2703538; 11825067; 26830710).

Counsyl
Classification: Likely pathogenic for Maple syrup urine disease type 1A. Last evaluated: 2017-01-24. Review status: no assertion criteria provided. Collection method: clinical testing. Allele origin: unknown. Not counted in ClinVar's aggregate classification.

OMIM
Classification: Pathogenic for MAPLE SYRUP URINE DISEASE, TYPE IA. Last evaluated: 2003-08-15. Review status: no assertion criteria provided. Collection method: literature only. Allele origin: germline. Not counted in ClinVar's aggregate classification.

GeneReviews
No classification provided. Condition: Maple syrup urine disease. Review status: no classification provided. Collection method: literature only. Allele origin: unknown. Not counted in ClinVar's aggregate classification.

Literature cited by the submitters: PubMed 2703538 (cited by 4 submitters); PubMed 11825067 (cited by Labcorp Genetics (formerly Invitae), Labcorp and UNC Molecular Genetics  Laboratory, University of North Carolina at Chapel Hill); PubMed 12888983 (cited by 4 submitters); PubMed 20136525 (cited by Labcorp Genetics (formerly Invitae), Labcorp); PubMed 26830710 (cited by Labcorp Genetics (formerly Invitae), Labcorp and UNC Molecular Genetics  Laboratory, University of North Carolina at Chapel Hill); PubMed 28170084 (cited by Labcorp Genetics (formerly Invitae), Labcorp); PubMed 1885764 (cited by 5 submitters); PubMed 1867199 (cited by 4 submitters); PubMed 35799415 (cited by Natera, Inc.); PubMed 21098507 (cited by Natera, Inc. and Counsyl); PubMed 16468966 (cited by Natera, Inc. and Counsyl); PubMed 32812330 (cited by Ambry Genetics); PubMed 14517957 (cited by Women's Health and Genetics/Laboratory Corporation of America, LabCorp and Counsyl); PubMed 14567968 (cited by Women's Health and Genetics/Laboratory Corporation of America, LabCorp and Counsyl); PubMed 2241958 (cited by UNC Molecular Genetics  Laboratory, University of North Carolina at Chapel Hill and OMIM); PubMed 8037208 (cited by Counsyl and OMIM); PubMed 11507102 (cited by Counsyl); PubMed 9582350 (cited by Counsyl and OMIM); PubMed 1943689 (cited by OMIM); PubMed 2060625 (cited by OMIM); PubMed 1356170 (cited by OMIM); PubMed 20301495 (cited by GeneReviews); NCBI Bookshelf NBK1319 (cited by GeneReviews).